The following is an entry in ClinVar:

ClinVar aggregate classification (germline): Likely benign (1 of 4 stars; one submission).

Conditions:
AP3B1-related disorder. Also called: AP3B1-related condition.

gnomAD v4.1: 70 of 1,614,058 alleles (0.0043%); highest among the groups gnomAD compares: South Asian, 0.076%; no homozygotes.

Submission:

PreventionGenetics, part of Exact Sciences
Classification: Likely benign for AP3B1-related condition. Last evaluated: 2025-09-24. Review status: criteria provided, single submitter. Criteria: ACMG Guidelines, 2015. Collection method: clinical testing. Allele origin: germline.
Comment: This variant is classified as likely benign based on ACMG/AMP sequence variant interpretation guidelines (Richards et al. 2015 PMID: 25741868, with internal and published modifications).

NM_003664.5(AP3B1):c.*2C>T

Gene: AP3B1 (adaptor related protein complex 3 subunit beta 1; minus strand). Cytogenetic location: 5q14.1.
Variant type: single nucleotide variant.
Coding change: c.*2C>T on transcript NM_003664.5 (MANE Select); 2 bases downstream of the stop codon, C replaced by T.
Molecular consequence: 3 prime UTR variant.
Genome position (GRCh38, 1-based): chr5:78,002,900, G>A on the plus strand (C>T on the coding strand, the complement: AP3B1 is on the minus strand). VCF-style: chr5-78002900-G-A. GRCh37 (hg19) VCF-style: chr5-77298724-G-A.
Other names: c.*2C>T (NM_001271769.2).
Identifiers: ClinVar variation 4993816 (VCV004993816.1).
Genomic context (GRCh38, chr5:78,002,900, plus strand): 5'-GCAGTAGTGGATGCCAGGCACTTTTGTTGTGTGCCAGATTCTAAAGTCCAGATGTAAGCA[G>A]GTTACCCCTGAGACAGGACAGGCTTCAGTTCCCGCAGCAGAACAGAGCCAATCACAGTTT-3'